The following is an entry in ClinVar:

ClinVar aggregate classification (germline): Uncertain significance. Review status: criteria provided, multiple submitters, no conflicts (2 of 4 stars). 4 submissions from 4 submitters: Uncertain significance (4). Last evaluated 2025-12-01.

Conditions:
Spastic paraplegia, intellectual disability, nystagmus, and obesity. Also called: Spastic paraplegia, intellectual disability, nystagmus, and obesity;. Identifiers: Orphanet 521390, MedGen C4284592, MONDO:0015007, OMIM 617296.
Inborn genetic diseases. Identifiers: MedGen C0950123, MeSH D030342.

Allele frequency attached by ClinVar (database versions not stated): TOPMed below 0.00001; gnomAD exomes 0.00001.
gnomAD v4.1: 11 of 1,613,836 alleles (0.00068%); highest among the groups gnomAD compares: Non-Finnish European, 0.00093%; no homozygotes.

Submissions (4):

CeGaT Center for Human Genetics Tuebingen
Classification: Uncertain significance. Last evaluated: 2025-12-01. Review status: criteria provided, single submitter. Criteria: CeGaT Center For Human Genetics Tuebingen Variant Classification Criteria Version 2. Collection method: clinical testing. Allele origin: germline. Affected: yes. Observed: 1 variant allele.

Ambry Genetics
Classification: Uncertain significance for Inborn genetic diseases. Last evaluated: 2024-01-02. Review status: criteria provided, single submitter. Criteria: Ambry Variant Classification Scheme 2023. Collection method: clinical testing. Allele origin: germline.

Pittsburgh Clinical Genomics Laboratory, University of Pittsburgh Medical Center
Classification: Uncertain significance for Spastic paraplegia, intellectual disability, nystagmus, and obesity. Last evaluated: 2021-08-25. Review status: criteria provided, single submitter. Criteria: ACMG Guidelines, 2015. Collection method: clinical testing. Allele origin: germline. Inheritance: Autosomal unknown. Affected: yes.
Comment: This sequence variant is a single nucleotide substitution (C>T) which results in a proline to serine amino acid change at residue 338 of the KIDINS220 protein. This is a previously reported variant (ClinVar) which has not been published in medical genetics literature in individuals with KIDINS220-related disease, to our knowledge. This variant is rare in the gnomAD control population dataset (3/249486 alleles or 0.0008%). Multiple bioinformatic tools predict that this proline to serine amino acid change will be damaging, and the Pro338 residue is conserved in all vertebrate species examined. Functiol studies assessing the effect of this variant on protein structure or activity have not been performed, to our knowledge. At this time, there is insufficient evidence to determine if this variant is pathogenic or benign. Therefore, we consider it to be a variant of uncertain significance. ACMG Criteria: PM2, PP3

Labcorp Genetics (formerly Invitae), Labcorp
Classification: Uncertain significance. Last evaluated: 2021-01-08. Review status: criteria provided, single submitter. Criteria: Invitae Variant Classification Sherloc (09022015). Collection method: clinical testing. Allele origin: germline.
Comment: In summary, the available evidence is currently insufficient to determine the role of this variant in disease. Therefore, it has been classified as a Variant of Uncertain Significance. Algorithms developed to predict the effect of missense changes on protein structure and function (SIFT, PolyPhen-2, Align-GVGD) all suggest that this variant is likely to be disruptive, but these predictions have not been confirmed by published functional studies and their clinical significance is uncertain. This variant has not been reported in the literature in individuals with KIDINS220-related conditions. This variant is not present in population databases (ExAC no frequency). This sequence change replaces proline with serine at codon 338 of the KIDINS220 protein (p.Pro338Ser). The proline residue is highly conserved and there is a moderate physicochemical difference between proline and serine.

NM_020738.4(KIDINS220):c.1012C>T (p.Pro338Ser)

Gene: KIDINS220 (kinase D interacting substrate 220; minus strand). Cytogenetic location: 2p25.1.
Variant type: single nucleotide variant.
Coding change: c.1012C>T on transcript NM_020738.4 (MANE Select); coding-DNA position 1012, C replaced by T.
Protein change: p.Pro338Ser; replaces proline 338 with serine.
Molecular consequence: missense variant. On other transcripts: non-coding transcript variant (2).
Genome position (GRCh38, 1-based): chr2:8,796,857, G>A on the plus strand (C>T on the coding strand, the complement: KIDINS220 is on the minus strand). VCF-style: chr2-8796857-G-A. GRCh37 (hg19) VCF-style: chr2-8936987-G-A.
Other names: c.1015C>T, p.Pro339Ser (NM_001348729.2, NM_001348731.2, NM_001348734.2 and 3 more transcripts); c.1012C>T, p.Pro338Ser (NM_001348732.2, NM_001348735.2, NM_001348738.2 and 3 more transcripts); c.886C>T, p.Pro296Ser (NM_001348736.2); c.1012C>T (NM_020738.2); short protein forms P296S, P338S, P339S.
Identifiers: ClinVar variation 1012049 (VCV001012049.16), dbSNP rs1461764281, ClinGen allele CA345770909.